The following is an entry in ClinVar:

ClinVar aggregate classification (germline): Likely benign (0 of 4 stars; one submission).

Conditions:
KIDINS220-related disorder. Also called: KIDINS220-related condition.

gnomAD v4.1: 1 of 1,613,680 alleles (0.000062%); highest among the groups gnomAD compares: Non-Finnish European, 0.000085%; no homozygotes.

Submission:

PreventionGenetics, part of Exact Sciences
Classification: Likely benign for KIDINS220-related condition. Last evaluated: 2023-05-09. Review status: no assertion criteria provided. Collection method: clinical testing. Allele origin: germline.
Comment: This variant is classified as likely benign based on ACMG/AMP sequence variant interpretation guidelines (Richards et al. 2015 PMID: 25741868, with internal and published modifications).

NM_020738.4(KIDINS220):c.2718A>G (p.Arg906=)

Gene: KIDINS220 (kinase D interacting substrate 220; minus strand). Cytogenetic location: 2p25.1.
Variant type: single nucleotide variant.
Coding change: c.2718A>G on transcript NM_020738.4 (MANE Select); coding-DNA position 2718, A replaced by G.
Protein change: p.Arg906=; no amino-acid change (arginine 906 retained).
Molecular consequence: synonymous variant. On other transcripts: non-coding transcript variant (2).
Genome position (GRCh38, 1-based): chr2:8,776,878, T>C on the plus strand (A>G on the coding strand, the complement: KIDINS220 is on the minus strand). VCF-style: chr2-8776878-T-C. GRCh37 (hg19) VCF-style: chr2-8917008-T-C.
Other names: c.2721A>G, p.Arg907= (NM_001348729.2, NM_001348731.2, NM_001348734.2 and 3 more transcripts); c.2718A>G, p.Arg906= (NM_001348732.2, NM_001348735.2, NM_001348738.2 and 3 more transcripts); c.2592A>G, p.Arg864= (NM_001348736.2).
Identifiers: ClinVar variation 3356110 (VCV003356110.1).